The following is an entry in ClinVar:

ClinVar aggregate classification (germline): Benign/Likely benign. Review status: criteria provided, multiple submitters, no conflicts (2 of 4 stars). 4 submissions from 4 submitters: Benign (2); Likely benign (2). Last evaluated 2018-09-04.

Conditions:
Maturity-onset diabetes of the young (MODY). Also called: Maturity onset diabetes mellitus in young. Identifiers: Orphanet 552, MedGen C0342276, MONDO:0018911, HP:0004904.

Allele frequency attached by ClinVar (database versions not stated): gnomAD exomes 0.00036 and 0.00092; ExAC 0.00116; 1000 Genomes Project 30x 0.00344; gnomAD 0.00372 and 0.00408; TOPMed 0.00436; ESP Exome Variant Server 0.00500.
gnomAD v4.1: 1,112 of 1,600,480 alleles (0.069%); highest among the groups gnomAD compares: African/African-American, 1.2%; 3 homozygotes.

Submissions (4):

GeneDx
Classification: Likely benign. Last evaluated: 2018-09-04. Review status: criteria provided, single submitter. Criteria: GeneDx Variant Classification Process June 2021. Collection method: clinical testing. Allele origin: germline. Affected: yes.

Athena Diagnostics
Classification: Benign. Last evaluated: 2018-05-03. Review status: criteria provided, single submitter. Criteria: Athena Diagnostics Criteria. Collection method: clinical testing. Allele origin: germline.

Breakthrough Genomics
Classification: Likely benign. Review status: criteria provided, single submitter. Criteria: ACMG Guidelines, 2015. Collection method: not provided. Allele origin: germline. Inheritance: Autosomal dominant inheritance. Affected: yes.

Clinical Genomics, Uppaluri K&H Personalized Medicine Clinic
Classification: Benign for Maturity-onset diabetes of the young. Review status: criteria provided, single submitter. Criteria: K & H Uppaluri Personalized Medicine Clinic Variant Classification & Assertion Criteria_Updated V.1. Collection method: research. Allele origin: unknown. Inheritance: Autosomal dominant inheritance.
Comment: Potent mutations in HNF4A are associated with poor insulin secretion in response to hyperglycemia. Associated with MODY1. Patients initially respond well to sulfonylureas but eventually become insulin dependent. However, more evidence is required to ascertain the role of this particular variant rs113495257 in MODY, yet.

Literature cited by the submitters: PubMed 18268044 (cited by Clinical Genomics, Uppaluri K&H Personalized Medicine Clinic); PubMed 17563455 (cited by Clinical Genomics, Uppaluri K&H Personalized Medicine Clinic); PubMed 32583173 (cited by Clinical Genomics, Uppaluri K&H Personalized Medicine Clinic); PubMed 35052457 (cited by Clinical Genomics, Uppaluri K&H Personalized Medicine Clinic); PubMed 35118593 (cited by Clinical Genomics, Uppaluri K&H Personalized Medicine Clinic); DOI 10.1159/000334532 (cited by Clinical Genomics, Uppaluri K&H Personalized Medicine Clinic).

NM_175914.5(HNF4A):c.583-27G>A

Gene: HNF4A (hepatocyte nuclear factor 4 alpha; plus strand). Cytogenetic location: 20q13.12.
Variant type: single nucleotide variant.
Coding change: c.583-27G>A on transcript NM_175914.5 (MANE Select); 27 bases into the intron before coding-DNA position 583, G replaced by A.
Molecular consequence: intron variant.
Genome position (GRCh38, 1-based): chr20:44,418,398, G>A. VCF-style: chr20-44418398-G-A. GRCh37 (hg19) VCF-style: chr20-43047038-G-A.
Other names: c.574-27G>A (NM_001287182.2, NM_001287183.2, NM_001287184.2); c.583-27G>A (NM_001030003.3, NM_001030004.3); c.628-27G>A (NM_001258355.2); c.649-27G>A (NM_178849.3, NM_000457.6, NM_178850.3).
Identifiers: ClinVar variation 586018 (VCV000586018.6), dbSNP rs113495257, ClinGen allele CA9870316.
Genomic context (GRCh38, chr20:44,418,398, plus strand): 5'-AAGCTGACTTGCCCAGCGTCACTGAGTTGGCTACGGGCAGCCTTCCCAAGGGTACAGATG[G>A]CAAACACTGTTCCTTCTCTCTTTCAGGTGGCCCTGCTCAGAGCCCATGCTGGCGAGCACC-3'